The following is an entry in ClinVar:

NM_152383.5(DIS3L2):c.1502T>C (p.Ile501Thr)

Gene: DIS3L2 (DIS3 like 3'-5' exoribonuclease 2; plus strand). Cytogenetic location: 2q37.1.
Variant type: single nucleotide variant.
Coding change: c.1502T>C on transcript NM_152383.5 (MANE Select); coding-DNA position 1502, T replaced by C.
Protein change: p.Ile501Thr; replaces isoleucine 501 with threonine.
Molecular consequence: missense variant. On other transcripts: non-coding transcript variant (2).
Genome position (GRCh38, 1-based): chr2:232,263,283, T>C. VCF-style: chr2-232263283-T-C. GRCh37 (hg19) VCF-style: chr2-233127993-T-C.
Other names: c.1502T>C, p.Ile501Thr (NM_001257281.2); short protein forms I501T.
Identifiers: ClinVar variation 410731 (VCV000410731.13), dbSNP rs1060503027, ClinGen allele CA16610642.

ClinVar aggregate classification (germline): Uncertain significance (1 of 4 stars; one submission).

Conditions:
Perlman syndrome (PRLMNS). Identifiers: Orphanet 2849, MedGen C0796113, MONDO:0009965, OMIM 267000.

Allele frequency attached by ClinVar (database versions not stated): gnomAD exomes below 0.00001; gnomAD 0.00001; TOPMed 0.00001.
gnomAD v4.1: 5 of 1,614,076 alleles (0.00031%); highest among the groups gnomAD compares: Non-Finnish European, 0.00042%; no homozygotes.

Submission:

Labcorp Genetics (formerly Invitae), Labcorp
Classification: Uncertain significance for Perlman syndrome. Last evaluated: 2024-04-15. Review status: criteria provided, single submitter. Criteria: Invitae Variant Classification Sherloc (09022015). Collection method: clinical testing. Allele origin: germline.
Comment: This sequence change replaces isoleucine, which is neutral and non-polar, with threonine, which is neutral and polar, at codon 501 of the DIS3L2 protein (p.Ile501Thr). This variant is present in population databases (no rsID available, gnomAD 0.007%). This variant has not been reported in the literature in individuals affected with DIS3L2-related conditions. ClinVar contains an entry for this variant (Variation ID: 410731). Advanced modeling of protein sequence and biophysical properties (such as structural, functional, and spatial information, amino acid conservation, physicochemical variation, residue mobility, and thermodynamic stability) performed at Invitae indicates that this missense variant is expected to disrupt DIS3L2 protein function with a positive predictive value of 80%. In summary, the available evidence is currently insufficient to determine the role of this variant in disease. Therefore, it has been classified as a Variant of Uncertain Significance.